The following is an entry in ClinVar:

NM_000093.5(COL5A1):c.4141G>C (p.Gly1381Arg)

Gene: COL5A1 (collagen type V alpha 1 chain; plus strand). Cytogenetic location: 9q34.3.
Variant type: single nucleotide variant.
Coding change: c.4141G>C on transcript NM_000093.5 (MANE Select); coding-DNA position 4141, G replaced by C.
Protein change: p.Gly1381Arg; replaces glycine 1381 with arginine.
Molecular consequence: missense variant.
Genome position (GRCh38, 1-based): chr9:134,817,044, G>C. VCF-style: chr9-134817044-G-C. GRCh37 (hg19) VCF-style: chr9-137708890-G-C.
Other names: c.4141G>C, p.Gly1381Arg (NM_001278074.1); short protein forms G1381R.
Identifiers: ClinVar variation 5034807 (VCV005034807.1).

ClinVar aggregate classification (germline): Uncertain significance (1 of 4 stars; one submission).

Conditions:
Familial thoracic aortic aneurysm and aortic dissection (TAAD). Also called: Thoracic aortic aneurysms and dissections. Identifiers: Orphanet 91387, MedGen C4707243, MONDO:0019625.

Submission:

Ambry Genetics
Classification: Uncertain significance for Familial thoracic aortic aneurysm and aortic dissection. Last evaluated: 2026-06-25. Review status: criteria provided, single submitter. Criteria: Ambry Variant Classification Scheme 2023. Collection method: clinical testing. Allele origin: germline.
Comment: The p.G1381R variant (also known as c.4141G>C), located in coding exon 53 of the COL5A1 gene, results from a G to C substitution at nucleotide position 4141. The glycine at codon 1381 is replaced by arginine, an amino acid with dissimilar properties. This amino acid position is conserved. In addition, this alteration is predicted to be deleterious by in silico analysis. Based on the available evidence, the clinical significance of this variant remains unclear.